The following is an entry in ClinVar:

ClinVar aggregate classification (germline): Likely benign (1 of 4 stars; one submission).

Allele frequency attached by ClinVar (database versions not stated): gnomAD 0.00003; gnomAD exomes 0.00003; TOPMed 0.00003.
gnomAD v4.1: 30 of 1,061,620 alleles (0.0028%); highest among the groups gnomAD compares: Non-Finnish European, 0.0032%; no homozygotes.

Submission:

GeneDx
Classification: Likely benign. Last evaluated: 2018-02-22. Review status: criteria provided, single submitter. Criteria: GeneDx Variant Classification (06012015). Collection method: clinical testing. Allele origin: germline. Affected: yes.
Comment: This variant is considered likely benign or benign based on one or more of the following criteria: it is a conservative change, it occurs at a poorly conserved position in the protein, it is predicted to be benign by multiple in silico algorithms, and/or has population frequency not consistent with disease.

NM_001122955.4(BSCL2):c.88-588T>C

Genes: HNRNPUL2-BSCL2 (HNRNPUL2-BSCL2 readthrough (NMD candidate); minus strand), BSCL2 (BSCL2 lipid droplet biogenesis associated, seipin; minus strand). Cytogenetic location: 11q12.3.
Variant type: single nucleotide variant.
Coding change: c.88-588T>C on transcript NM_001122955.4 (MANE Select); 588 bases into the intron before coding-DNA position 88, T replaced by C.
Molecular consequence: intron variant. On other transcripts: 5 prime UTR variant (2).
Genome position (GRCh38, 1-based): chr11:62,706,205, A>G on the plus strand (T>C on the coding strand, the complement: BSCL2 is on the minus strand). VCF-style: chr11-62706205-A-G. GRCh37 (hg19) VCF-style: chr11-62473677-A-G.
Other names: c.-108T>C (NM_001130702.2, NM_032667.6); c.88-588T>C (NM_001386028.1, NM_001386027.1).
Identifiers: ClinVar variation 515270 (VCV000515270.1), dbSNP rs970321804, ClinGen allele CA223642418.
Genomic context (GRCh38, chr11:62,706,205, plus strand): 5'-GCCGCTTCCCGCCAGTCCCCTCCAGCTCGGGGGTGGGCAAAGCGCCCGGAGCCCCTACCT[A>G]ATCGTGCAACCATGGAAACCAGCCCGCCGGCTGCCACAGGGCTGCCGACTCACCAGCCTC-3'